The following is an entry in ClinVar:

ClinVar aggregate classification (germline): Uncertain significance. Review status: criteria provided, multiple submitters, no conflicts (2 of 4 stars). 3 submissions from 3 submitters: Uncertain significance (3). Last evaluated 2025-06-12.

Conditions:
Hereditary cancer-predisposing syndrome. Also called: Hereditary neoplastic syndrome; Tumor predisposition; Neoplastic Syndromes, Hereditary; Hereditary Cancer Syndrome. Identifiers: Orphanet 140162, MedGen C0027672, MeSH D009386, MONDO:0015356.
Familial adenomatous polyposis 1 (FAP1). Also called: FAMILIAL ADENOMATOUS POLYPOSIS 1, ATTENUATED; POLYPOSIS, ADENOMATOUS INTESTINAL. Identifiers: MedGen C2713442, MONDO:0021056, OMIM 175100. Disease mechanism: loss of function.

Submissions (3):

Ambry Genetics
Classification: Uncertain significance for Hereditary cancer-predisposing syndrome. Last evaluated: 2025-06-12. Review status: criteria provided, single submitter. Criteria: Ambry Variant Classification Scheme 2023. Collection method: clinical testing. Allele origin: germline.
Comment: The p.T1705I variant (also known as c.5114C>T), located in coding exon 15 of the APC gene, results from a C to T substitution at nucleotide position 5114. The threonine at codon 1705 is replaced by isoleucine, an amino acid with similar properties. This amino acid position is poorly conserved in available vertebrate species. In addition, in silico predictors for this gene do not accurately predict pathogenicity. Missense alterations in APC are not a common cause of disease (Spier I et al. Genet Med. 2024 Feb;26(2):100992). Based on the available evidence, the clinical significance of this variant remains unclear.

Labcorp Genetics (formerly Invitae), Labcorp
Classification: Uncertain significance for Familial adenomatous polyposis 1. Last evaluated: 2024-12-19. Review status: criteria provided, single submitter. Criteria: Invitae Variant Classification Sherloc (09022015). Collection method: clinical testing. Allele origin: germline.
Comment: This sequence change replaces threonine, which is neutral and polar, with isoleucine, which is neutral and non-polar, at codon 1705 of the APC protein (p.Thr1705Ile). This variant is not present in population databases (gnomAD no frequency). This variant has not been reported in the literature in individuals affected with APC-related conditions. ClinVar contains an entry for this variant (Variation ID: 420818). Invitae Evidence Modeling of protein sequence and biophysical properties (such as structural, functional, and spatial information, amino acid conservation, physicochemical variation, residue mobility, and thermodynamic stability) indicates that this missense variant is not expected to disrupt APC protein function with a negative predictive value of 95%. In summary, the available evidence is currently insufficient to determine the role of this variant in disease. Therefore, it has been classified as a Variant of Uncertain Significance.

GeneDx
Classification: Uncertain significance. Last evaluated: 2022-07-05. Review status: criteria provided, single submitter. Criteria: GeneDx Variant Classification Process June 2021. Collection method: clinical testing. Allele origin: germline. Affected: yes.
Comment: Not observed at significant frequency in large population cohorts (gnomAD); In silico analysis supports that this missense variant does not alter protein structure/function; Has not been previously published as pathogenic or benign to our knowledge; This variant is associated with the following publications: (PMID: 25801821, 18199528)

NM_000038.6(APC):c.5114C>T (p.Thr1705Ile)

Gene: APC (APC regulator of Wnt signaling pathway; plus strand). Cytogenetic location: 5q22.2.
Variant type: single nucleotide variant.
Coding change: c.5114C>T on transcript NM_000038.6 (MANE Select); coding-DNA position 5114, C replaced by T.
Protein change: p.Thr1705Ile; replaces threonine 1705 with isoleucine.
Molecular consequence: missense variant.
Genome position (GRCh38, 1-based): chr5:112,840,708, C>T. VCF-style: chr5-112840708-C-T. GRCh37 (hg19) VCF-style: chr5-112176405-C-T.
Other names: c.5114C>T, p.Thr1705Ile (NM_001127510.3, NM_001354895.2); c.5060C>T, p.Thr1687Ile (NM_001127511.3); c.5168C>T, p.Thr1723Ile (NM_001354896.2); c.5144C>T, p.Thr1715Ile (NM_001354897.2); c.5039C>T, p.Thr1680Ile (NM_001354898.2); c.5030C>T, p.Thr1677Ile (NM_001354899.2); c.4991C>T, p.Thr1664Ile (NM_001354900.2); c.4937C>T, p.Thr1646Ile (NM_001354901.2); and 5 more; short protein forms T1687I, T1705I, T1422I, T1579I, T1604I, T1614I, T1646I, T1664I.
Identifiers: ClinVar variation 420818 (VCV000420818.17), dbSNP rs876659109, ClinGen allele CA16032511.